The following is an entry in ClinVar:

ClinVar aggregate classification (germline): Uncertain significance (1 of 4 stars; one submission).

Submission:

Labcorp Genetics (formerly Invitae), Labcorp
Classification: Uncertain significance. Last evaluated: 2021-11-01. Review status: criteria provided, single submitter. Criteria: Invitae Variant Classification Sherloc (09022015). Collection method: clinical testing. Allele origin: germline.
Comment: In summary, the available evidence is currently insufficient to determine the role of this variant in disease. Therefore, it has been classified as a Variant of Uncertain Significance. Algorithms developed to predict the effect of missense changes on protein structure and function (SIFT, PolyPhen-2, Align-GVGD) all suggest that this variant is likely to be tolerated. This variant has not been reported in the literature in individuals affected with TUBA8-related conditions. This variant is not present in population databases (gnomAD no frequency). This sequence change replaces leucine, which is neutral and non-polar, with methionine, which is neutral and non-polar, at codon 119 of the TUBA8 protein (p.Leu119Met).

NM_018943.3(TUBA8):c.355C>A (p.Leu119Met)

Gene: TUBA8 (tubulin alpha 8; plus strand). Cytogenetic location: 22q11.21.
Variant type: single nucleotide variant.
Coding change: c.355C>A on transcript NM_018943.3 (MANE Select); coding-DNA position 355, C replaced by A.
Protein change: p.Leu119Met; replaces leucine 119 with methionine.
Molecular consequence: missense variant.
Genome position (GRCh38, 1-based): chr22:18,124,284, C>A. VCF-style: chr22-18124284-C-A. GRCh37 (hg19) VCF-style: chr22-18607051-C-A.
Other names: c.157C>A, p.Leu53Met (NM_001193414.2); short protein forms L119M, L53M.
Identifiers: ClinVar variation 1505584 (VCV001505584.6), dbSNP rs1315599573, ClinGen allele CA410262339.